The following is an entry in ClinVar:

ClinVar aggregate classification (germline): Pathogenic. Review status: criteria provided, single submitter (1 of 4 stars). 2 submissions from 2 submitters: Pathogenic (1). 1 of the submissions does not count toward it. Last evaluated 2023-07-01.

Conditions:
Fanconi anemia complementation group G. Also called: FANCG-Related Fanconi Anemia; Fanconi anemia group G. Identifiers: Orphanet 84, MedGen C3469527, MONDO:0013565, OMIM 614082.
Fanconi anemia (FA). Also called: Fanconi's anemia. Identifiers: Orphanet 84, MedGen C0015625, MeSH D005199, MONDO:0019391.

Submissions (2):

Division of Human Genetics, National Health Laboratory Service/University of the Witwatersrand
Classification: Pathogenic for Fanconi anemia. Last evaluated: 2023-07-01. Review status: criteria provided, single submitter. Criteria: ACMG Guidelines, 2015. Collection method: research. Allele origin: germline. Affected: yes.

Leiden Open Variation Database
Classification: Uncertain significance for Fanconi anemia complementation group G. Last evaluated: 2020-02-28. Review status: no assertion criteria provided. Collection method: curation. Allele origin: germline. Affected: yes. Not counted in ClinVar's aggregate classification.
Comment: Curator: Arleen D. Auerbach. Submitter to LOVD: Arleen D. Auerbach.

Literature cited by the submitters: PubMed 24300640 (cited by Leiden Open Variation Database).

NM_004629.2(FANCG):c.179del (p.Leu60fs)

Gene: FANCG (FA complementation group G; minus strand). Cytogenetic location: 9p13.3.
Variant type: Deletion.
Coding change: c.179del on transcript NM_004629.2 (MANE Select); coding-DNA position 179, one base deleted (T; older notation c.179delT).
Protein change: p.Leu60fs; shifts the reading frame from leucine 60.
Molecular consequence: frameshift variant.
Genome position (GRCh38, 1-based): chr9:35,078,733, A deleted on the plus strand (T on the coding strand, the reverse complement: FANCG is on the minus strand). VCF-style (leftmost placement, unchanged base first): chr9-35078732-GA-G. GRCh37 (hg19) VCF-style: chr9-35078729-GA-G.
Other names: short protein forms L60fs.
Identifiers: ClinVar variation 929675 (VCV000929675.2), dbSNP rs1829130643, ClinGen allele CA1139660975.